The following is an entry in ClinVar:

NM_001354483.2(CSGALNACT1):c.1370A>G (p.Tyr457Cys)

Gene: CSGALNACT1 (chondroitin sulfate N-acetylgalactosaminyltransferase 1; minus strand). Cytogenetic location: 8p21.3.
Variant type: single nucleotide variant.
Coding change: c.1370A>G on transcript NM_001354483.2 (MANE Select); coding-DNA position 1370, A replaced by G.
Protein change: p.Tyr457Cys; replaces tyrosine 457 with cysteine.
Molecular consequence: missense variant. On other transcripts: non-coding transcript variant (7).
Genome position (GRCh38, 1-based): chr8:19,406,009, T>C on the plus strand (A>G on the coding strand, the complement: CSGALNACT1 is on the minus strand). VCF-style: chr8-19406009-T-C. GRCh37 (hg19) VCF-style: chr8-19263520-T-C.
Other names: c.1370A>G, p.Tyr457Cys (NM_001130518.2, NM_001354475.2, NM_001354476.2 and 18 more transcripts); c.1370A>G (NM_001130518.1); short protein forms Y457C.
Identifiers: ClinVar variation 1944794 (VCV001944794.7), dbSNP rs762925066, ClinGen allele CA4653781.
Genomic context (GRCh38, chr8:19,406,009, plus strand): 5'-TGCCAGAGGTGGAAGAGTCCTCGCACAGGCGTCCGTACCACTATGAGGTTGCTGTGGAGA[T>C]ACTTGCGATAAAGGTGCACATCCTCTCCGCCCCAGCCTTTGATGTCCAGATCAAACCCAC-3'
Protein context (NP_001341412.1, residues 447-467): GGEDVHLYRK[Tyr457Cys]LHSNLIVVRT

ClinVar aggregate classification (germline): Uncertain significance. Review status: criteria provided, multiple submitters, no conflicts (2 of 4 stars). 2 submissions from 2 submitters: Uncertain significance (2). Last evaluated 2023-01-18.

Conditions:
Inborn genetic diseases. Identifiers: MedGen C0950123, MeSH D030342.

Allele frequency attached by ClinVar (database versions not stated): TOPMed below 0.00001; ExAC 0.00001; gnomAD 0.00001; gnomAD exomes 0.00001.
gnomAD v4.1: 23 of 1,614,102 alleles (0.0014%); highest among the groups gnomAD compares: Non-Finnish European, 0.0018%; no homozygotes.

Submissions (2):

Ambry Genetics
Classification: Uncertain significance for Inborn genetic diseases. Last evaluated: 2023-01-18. Review status: criteria provided, single submitter. Criteria: Ambry Variant Classification Scheme 2023. Collection method: clinical testing. Allele origin: germline.

Labcorp Genetics (formerly Invitae), Labcorp
Classification: Uncertain significance. Last evaluated: 2022-05-16. Review status: criteria provided, single submitter. Criteria: Invitae Variant Classification Sherloc (09022015). Collection method: clinical testing. Allele origin: germline.
Comment: In summary, the available evidence is currently insufficient to determine the role of this variant in disease. Therefore, it has been classified as a Variant of Uncertain Significance. Algorithms developed to predict the effect of missense changes on protein structure and function (SIFT, PolyPhen-2, Align-GVGD) all suggest that this variant is likely to be disruptive. This variant has not been reported in the literature in individuals affected with CSGALNACT1-related conditions. This variant is present in population databases (rs762925066, gnomAD 0.005%). This sequence change replaces tyrosine, which is neutral and polar, with cysteine, which is neutral and slightly polar, at codon 457 of the CSGALNACT1 protein (p.Tyr457Cys).